The following is an entry in ClinVar:

ClinVar aggregate classification (germline): Uncertain significance (1 of 4 stars; one submission).

Allele frequency attached by ClinVar (database versions not stated): gnomAD exomes below 0.00001; ExAC 0.00001.
gnomAD v4.1: 2 of 1,613,992 alleles (0.00012%); highest among the groups gnomAD compares: Admixed American, 0.0033%; no homozygotes.

Submission:

Labcorp Genetics (formerly Invitae), Labcorp
Classification: Uncertain significance. Last evaluated: 2024-01-31. Review status: criteria provided, single submitter. Criteria: Invitae Variant Classification Sherloc (09022015). Collection method: clinical testing. Allele origin: germline.
Comment: This sequence change replaces proline, which is neutral and non-polar, with serine, which is neutral and polar, at codon 571 of the SLC6A19 protein (p.Pro571Ser). This variant is present in population databases (rs749787490, gnomAD 0.003%). This variant has not been reported in the literature in individuals affected with SLC6A19-related conditions. ClinVar contains an entry for this variant (Variation ID: 1961235). An algorithm developed to predict the effect of missense changes on protein structure and function (PolyPhen-2) suggests that this variant is likely to be disruptive. In summary, the available evidence is currently insufficient to determine the role of this variant in disease. Therefore, it has been classified as a Variant of Uncertain Significance.

NM_001003841.3(SLC6A19):c.1711C>T (p.Pro571Ser)

Gene: SLC6A19 (solute carrier family 6 member 19; plus strand). Cytogenetic location: 5p15.33.
Variant type: single nucleotide variant.
Coding change: c.1711C>T on transcript NM_001003841.3 (MANE Select); coding-DNA position 1711, C replaced by T.
Protein change: p.Pro571Ser; replaces proline 571 with serine.
Molecular consequence: missense variant.
Genome position (GRCh38, 1-based): chr5:1,221,710, C>T. VCF-style: chr5-1221710-C-T. GRCh37 (hg19) VCF-style: chr5-1221825-C-T.
Other names: short protein forms P571S.
Identifiers: ClinVar variation 1961235 (VCV001961235.5), dbSNP rs749787490, ClinGen allele CA3183284.